The following is an entry in ClinVar:

ClinVar aggregate classification (germline): Uncertain significance. Review status: criteria provided, multiple submitters, no conflicts (2 of 4 stars). 2 submissions from 2 submitters: Uncertain significance (2). Last evaluated 2024-04-04.

Submissions (2):

Blueprint Genetics
Classification: Uncertain significance. Last evaluated: 2024-04-04. Review status: criteria provided, single submitter. Criteria: ACMG Guidelines, 2015. Collection method: clinical testing. Allele origin: germline.

GeneDx
Classification: Uncertain significance. Last evaluated: 2022-11-28. Review status: criteria provided, single submitter. Criteria: GeneDx Variant Classification Process June 2021. Collection method: clinical testing. Allele origin: germline. Affected: yes.
Comment: Not observed at significant frequency in large population cohorts (gnomAD); In silico analysis supports that this missense variant does not alter protein structure/function; Has not been previously published as pathogenic or benign to our knowledge

NM_013275.6(ANKRD11):c.5573C>A (p.Pro1858Gln)

Gene: ANKRD11 (ankyrin repeat domain 11; minus strand). Cytogenetic location: 16q24.3.
Variant type: single nucleotide variant.
Coding change: c.5573C>A on transcript NM_013275.6 (MANE Select); coding-DNA position 5573, C replaced by A.
Protein change: p.Pro1858Gln; replaces proline 1858 with glutamine.
Molecular consequence: missense variant.
Genome position (GRCh38, 1-based): chr16:89,280,969, G>T on the plus strand (C>A on the coding strand, the complement: ANKRD11 is on the minus strand). VCF-style: chr16-89280969-G-T. GRCh37 (hg19) VCF-style: chr16-89347377-G-T.
Other names: c.5573C>A, p.Pro1858Gln (NM_001256182.2, NM_001256183.2); short protein forms P1858Q.
Identifiers: ClinVar variation 2503224 (VCV002503224.2), dbSNP rs367980842, ClinGen allele CA397153652.